The following is an entry in ClinVar:

ClinVar aggregate classification (germline): Uncertain significance. Review status: criteria provided, multiple submitters, no conflicts (2 of 4 stars). 2 submissions from 2 submitters: Uncertain significance (2). Last evaluated 2026-01-31.

Conditions:
Hereditary cancer-predisposing syndrome. Also called: Neoplastic Syndromes, Hereditary; Tumor predisposition; Hereditary Cancer Syndrome; Hereditary neoplastic syndrome. Identifiers: Orphanet 140162, MedGen C0027672, MeSH D009386, MONDO:0015356.
Bloom syndrome (BLM). Also called: Bloom-Torre-Machacek syndrome. Identifiers: Orphanet 125, MedGen C0005859, MONDO:0008876, OMIM 210900.

Allele frequency attached by ClinVar (database versions not stated): TOPMed below 0.00001; gnomAD 0.00001.
gnomAD v4.1: 2 of 1,531,692 alleles (0.00013%); highest among the groups gnomAD compares: Non-Finnish European, 0.00017%; no homozygotes.

Submissions (2):

Labcorp Genetics (formerly Invitae), Labcorp
Classification: Uncertain significance for Bloom syndrome. Last evaluated: 2026-01-31. Review status: criteria provided, single submitter. Criteria: Invitae Variant Classification Sherloc (09022015). Collection method: clinical testing. Allele origin: germline.
Comment: This sequence change replaces cysteine, which is neutral and slightly polar, with tryptophan, which is neutral and slightly polar, at codon 607 of the BLM protein (p.Cys607Trp). This variant is not present in population databases (gnomAD no frequency). This variant has not been reported in the literature in individuals affected with BLM-related conditions. ClinVar contains an entry for this variant (Variation ID: 640154). An algorithm developed to predict the effect of missense changes on protein structure and function (PolyPhen-2) suggests that this variant is likely to be disruptive. In summary, the available evidence is currently insufficient to determine the role of this variant in disease. Therefore, it has been classified as a Variant of Uncertain Significance.

Ambry Genetics
Classification: Uncertain significance for Hereditary cancer-predisposing syndrome. Last evaluated: 2024-07-23. Review status: criteria provided, single submitter. Criteria: Ambry Variant Classification Scheme 2023. Collection method: clinical testing. Allele origin: germline.
Comment: The p.C607W variant (also known as c.1821T>G), located in coding exon 6 of the BLM gene, results from a T to G substitution at nucleotide position 1821. The cysteine at codon 607 is replaced by tryptophan, an amino acid with highly dissimilar properties. This amino acid position is not well conserved in available vertebrate species. In addition, this alteration is predicted to be tolerated by in silico analysis. Since supporting evidence is limited at this time, the clinical significance of this alteration remains unclear.

NM_000057.4(BLM):c.1821T>G (p.Cys607Trp)

Gene: BLM (BLM RecQ like helicase; plus strand). Cytogenetic location: 15q26.1.
Variant type: single nucleotide variant.
Coding change: c.1821T>G on transcript NM_000057.4 (MANE Select); coding-DNA position 1821, T replaced by G.
Protein change: p.Cys607Trp; replaces cysteine 607 with tryptophan.
Molecular consequence: missense variant.
Genome position (GRCh38, 1-based): chr15:90,761,194, T>G. VCF-style: chr15-90761194-T-G. GRCh37 (hg19) VCF-style: chr15-91304424-T-G.
Other names: c.1821T>G, p.Cys607Trp (NM_001287246.2, NM_001287247.2); c.696T>G, p.Cys232Trp (NM_001287248.2); short protein forms C232W, C607W.
Identifiers: ClinVar variation 640154 (VCV000640154.12), dbSNP rs1207886252, ClinGen allele CA393843916.
Genomic context (GRCh38, chr15:90,761,194, plus strand): 5'-CAAGGAAGGTCGGCCAATTAAATCAGTATCAGAAAGACTTTCCTCAGCCAAGACAGACTG[T>G]CTTCCAGTGTCATCTACTGCTCAAAATATAAACTTCTCAGAGTCAATTCAGAATTATACT-3'
Protein context (NP_000048.1, residues 597-617): SERLSSAKTD[Cys607Trp]LPVSSTAQNI